The following is an entry in ClinVar:

ClinVar aggregate classification (germline): Uncertain significance (1 of 4 stars; one submission).

Conditions:
RASopathy. Also called: Noonan spectrum disorder; rasopathies. Identifiers: Orphanet 536391, MedGen C5555857, MONDO:0021060.

Allele frequency attached by ClinVar (database versions not stated): gnomAD exomes below 0.00001.
gnomAD v4.1: 6 of 1,614,172 alleles (0.00037%); highest among the groups gnomAD compares: Non-Finnish European, 0.00051%; no homozygotes.

Submission:

Labcorp Genetics (formerly Invitae), Labcorp
Classification: Uncertain significance for RASopathy. Last evaluated: 2021-02-03. Review status: criteria provided, single submitter. Criteria: Invitae Variant Classification Sherloc (09022015). Collection method: clinical testing. Allele origin: germline.
Comment: In summary, the available evidence is currently insufficient to determine the role of this variant in disease. Therefore, it has been classified as a Variant of Uncertain Significance. Advanced modeling of protein sequence and biophysical properties (such as structural, functional, and spatial information, amino acid conservation, physicochemical variation, residue mobility, and thermodynamic stability) performed at Invitae indicates that this missense variant is expected to disrupt RAF1 protein function. This variant has not been reported in the literature in individuals with RAF1-related conditions. This variant is not present in population databases (ExAC no frequency). This sequence change replaces phenylalanine with serine at codon 648 of the RAF1 protein (p.Phe648Ser). The phenylalanine residue is moderately conserved and there is a large physicochemical difference between phenylalanine and serine.

NM_002880.4(RAF1):c.1943T>C (p.Phe648Ser)

Gene: RAF1 (Raf-1 proto-oncogene, serine/threonine kinase; minus strand). Cytogenetic location: 3p25.2.
Variant type: single nucleotide variant.
Coding change: c.1943T>C on transcript NM_002880.4 (MANE Select); coding-DNA position 1943, T replaced by C.
Protein change: p.Phe648Ser; replaces phenylalanine 648 with serine.
Molecular consequence: missense variant. On other transcripts: non-coding transcript variant (3).
Genome position (GRCh38, 1-based): chr3:12,584,518, A>G on the plus strand (T>C on the coding strand, the complement: RAF1 is on the minus strand). VCF-style: chr3-12584518-A-G. GRCh37 (hg19) VCF-style: chr3-12626017-A-G.
Other names: c.2003T>C, p.Phe668Ser (NM_001354689.3); c.1943T>C, p.Phe648Ser (NM_001354690.3); c.1700T>C, p.Phe567Ser (NM_001354691.3, NM_001354692.3); c.1844T>C, p.Phe615Ser (NM_001354693.3); c.1760T>C, p.Phe587Ser (NM_001354694.3); c.1601T>C, p.Phe534Ser (NM_001354695.3); short protein forms F567S, F587S, F648S, F668S, F534S, F615S.
Identifiers: ClinVar variation 1497081 (VCV001497081.8), dbSNP rs760591831, ClinGen allele CA69602087.